The following is an entry in ClinVar:

NM_197968.4(ZMYM2):c.1584+656G>T

Gene: ZMYM2 (zinc finger MYM-type containing 2; plus strand). Cytogenetic location: 13q12.11.
Variant type: single nucleotide variant.
Coding change: c.1584+656G>T on transcript NM_197968.4 (MANE Select); 656 bases into the intron after coding-DNA position 1584, G replaced by T.
Molecular consequence: intron variant.
Genome position (GRCh38, 1-based): chr13:20,020,274, G>T. VCF-style: chr13-20020274-G-T. GRCh37 (hg19) VCF-style: chr13-20594414-G-T.
Other names: c.1323+656G>T (NM_001353163.2); c.1584+656G>T (NM_001353157.2, NM_001353164.2, NM_001353159.2 and 5 more transcripts); c.1389+656G>T (NM_001353161.3).
Identifiers: ClinVar variation 4291123 (VCV004291123.1).

ClinVar aggregate classification (germline): Uncertain significance (1 of 4 stars; one submission).

Conditions:
Neurodevelopmental-craniofacial syndrome with variable renal and cardiac abnormalities. Identifiers: MedGen C5561984, MONDO:0859190, OMIM 619522.

Submission:

Institute of Human Genetics, University of Leipzig Medical Center
Classification: Uncertain significance for Neurodevelopmental-craniofacial syndrome with variable renal and cardiac abnormalities. Last evaluated: 2025-10-01. Review status: criteria provided, single submitter. Criteria: ACMG Guidelines, 2015. Collection method: clinical testing. Allele origin: unknown. Inheritance: Autosomal dominant inheritance. Affected: yes.
Comment: Criteria applied: PM2,PP3